The following is an entry in ClinVar:

NM_000936.4(PNLIP):c.460-1G>A

Gene: PNLIP (pancreatic lipase; plus strand). Cytogenetic location: 10q25.3.
Variant type: single nucleotide variant.
Coding change: c.460-1G>A on transcript NM_000936.4 (MANE Select); the canonical splice acceptor site of the intron before coding-DNA position 460, G replaced by A.
Molecular consequence: splice acceptor variant.
Genome position (GRCh38, 1-based): chr10:116,553,726, G>A. VCF-style: chr10-116553726-G-A. GRCh37 (hg19) VCF-style: chr10-118313238-G-A.
Identifiers: ClinVar variation 2772101 (VCV002772101.3), dbSNP rs2493052423, ClinGen allele CA378493748.
Genomic context (GRCh38, chr10:116,553,726, plus strand): 5'-TGTTGTTGAGCAACTCATGACTGCACTTGAAAACATTCTGAAAAGGTTTTCTTTCCGACA[G>A]TCGGCGTTCGGTTACTCACCTTCCAATGTGCATGTCATTGGCCACAGCCTGGGTGCCCAC-3'

ClinVar aggregate classification (germline): Likely pathogenic (1 of 4 stars; one submission).

Submission:

Labcorp Genetics (formerly Invitae), Labcorp
Classification: Likely pathogenic. Last evaluated: 2023-10-27. Review status: criteria provided, single submitter. Criteria: Invitae Variant Classification Sherloc (09022015). Collection method: clinical testing. Allele origin: germline.
Comment: This sequence change affects an acceptor splice site in intron 5 of the PNLIP gene. It is expected to disrupt RNA splicing. Variants that disrupt the donor or acceptor splice site typically lead to a loss of protein function (PMID: 16199547), and loss-of-function variants in PNLIP are known to be pathogenic (PMID: 35284057, 31977950). This variant is not present in population databases (gnomAD no frequency). This variant has not been reported in the literature in individuals affected with PNLIP-related conditions. Algorithms developed to predict the effect of sequence changes on RNA splicing suggest that this variant may disrupt the consensus splice site. In summary, the currently available evidence indicates that the variant is pathogenic, but additional data are needed to prove that conclusively. Therefore, this variant has been classified as Likely Pathogenic.

Literature cited by the submitters: PubMed 16199547; PubMed 35284057; PubMed 31977950.